The following is an entry in ClinVar:

ClinVar aggregate classification (germline): Uncertain significance (1 of 4 stars; one submission).

Submission:

GeneDx
Classification: Uncertain significance. Last evaluated: 2024-04-29. Review status: criteria provided, single submitter. Criteria: GeneDx Variant Classification Process June 2021. Collection method: clinical testing. Allele origin: germline. Affected: yes.
Comment: Not observed at significant frequency in large population cohorts (gnomAD); In silico analysis supports that this missense variant has a deleterious effect on protein structure/function; Has not been previously published as pathogenic or benign to our knowledge

NM_000719.7(CACNA1C):c.5390C>A (p.Pro1797His)

Genes: CACNA1C (calcium voltage-gated channel subunit alpha1 C; plus strand), CACNA1C-AS1 (CACNA1C antisense RNA 1; minus strand). Cytogenetic location: 12p13.33.
Variant type: single nucleotide variant.
Coding change: c.5390C>A on transcript NM_000719.7 (MANE Select); coding-DNA position 5390, C replaced by A.
Protein change: p.Pro1797His; replaces proline 1797 with histidine.
Molecular consequence: missense variant.
Genome position (GRCh38, 1-based): chr12:2,679,742, C>A. VCF-style: chr12-2679742-C-A. GRCh37 (hg19) VCF-style: chr12-2788908-C-A.
Other names: c.5534C>A, p.Pro1845His (NM_001129827.2, NM_199460.4); c.5513C>A, p.Pro1838His (NM_001129829.2); c.5390C>A, p.Pro1797His (NM_001129830.3, NM_001129840.2, NM_001129841.2 and 4 more transcripts); c.5474C>A, p.Pro1825His (NM_001129831.2); c.5450C>A, p.Pro1817His (NM_001129832.2); c.5447C>A, p.Pro1816His (NM_001129833.2, NM_001129834.2, NM_001129835.2); c.5441C>A, p.Pro1814His (NM_001129836.2); c.5414C>A, p.Pro1805His (NM_001129837.2, NM_001129838.2); and 3 more; short protein forms P1786H, P1794H, P1797H, P1803H, P1805H, P1814H, P1816H, P1817H.
Identifiers: ClinVar variation 3372787 (VCV003372787.1).